The following is an entry in ClinVar:

ClinVar aggregate classification (germline): Uncertain significance (1 of 4 stars; one submission).

gnomAD v4.1: 1 of 1,613,992 alleles (0.000062%); highest among the groups gnomAD compares: South Asian, 0.0011%; no homozygotes.

Submission:

GeneDx
Classification: Uncertain significance. Last evaluated: 2024-05-13. Review status: criteria provided, single submitter. Criteria: GeneDx Variant Classification Process June 2021. Collection method: clinical testing. Allele origin: germline. Affected: yes.
Comment: Not observed at significant frequency in large population cohorts (gnomAD); In silico analysis supports that this missense variant has a deleterious effect on protein structure/function; Has not been previously published as pathogenic or benign to our knowledge

NM_016239.4(MYO15A):c.9905T>C (p.Leu3302Pro)

Gene: MYO15A (myosin XVA; plus strand). Cytogenetic location: 17p11.2.
Variant type: single nucleotide variant.
Coding change: c.9905T>C on transcript NM_016239.4 (MANE Select); coding-DNA position 9905, T replaced by C.
Protein change: p.Leu3302Pro; replaces leucine 3302 with proline.
Molecular consequence: missense variant.
Genome position (GRCh38, 1-based): chr17:18,166,478, T>C. VCF-style: chr17-18166478-T-C. GRCh37 (hg19) VCF-style: chr17-18069792-T-C.
Other names: short protein forms L3302P.
Identifiers: ClinVar variation 3378170 (VCV003378170.1).